The following is an entry in ClinVar:

ClinVar aggregate classification (germline): Uncertain significance (1 of 4 stars; one submission).

Conditions:
Neuropathy, hereditary sensory and autonomic, type 2A (HSAN2A). Also called: HSAN IIA; ACROOSTEOLYSIS, GIACCAI TYPE; ACROOSTEOLYSIS, NEUROGENIC; MORVAN DISEASE; NEUROPATHY, CONGENITAL SENSORY; NEUROPATHY, HEREDITARY SENSORY RADICULAR, AUTOSOMAL RECESSIVE. Identifiers: Orphanet 970, MedGen C2752089, MONDO:0024309, OMIM 201300.
Generalized epilepsy with febrile seizures plus, type 7 (GEFSP7). Also called: GEFS+, TYPE 7. Identifiers: Orphanet 36387, MedGen C2751778, MONDO:0013470, OMIM 613863.

gnomAD v4.1: 6 of 1,614,104 alleles (0.00037%); highest among the groups gnomAD compares: South Asian, 0.0044%; no homozygotes.

Submission:

Labcorp Genetics (formerly Invitae), Labcorp
Classification: Uncertain significance for Neuropathy, hereditary sensory and autonomic, type 2A; Generalized epilepsy with febrile seizures plus, type 7. Last evaluated: 2023-06-11. Review status: criteria provided, single submitter. Criteria: Invitae Variant Classification Sherloc (09022015). Collection method: clinical testing. Allele origin: germline.
Comment: Advanced modeling of protein sequence and biophysical properties (such as structural, functional, and spatial information, amino acid conservation, physicochemical variation, residue mobility, and thermodynamic stability) performed at Invitae indicates that this missense variant is not expected to disrupt SCN9A protein function. ClinVar contains an entry for this variant (Variation ID: 1052194). This variant has not been reported in the literature in individuals affected with SCN9A-related conditions. This variant is not present in population databases (gnomAD no frequency). This sequence change replaces glycine, which is neutral and non-polar, with arginine, which is basic and polar, at codon 1843 of the SCN9A protein (p.Gly1843Arg). In summary, the available evidence is currently insufficient to determine the role of this variant in disease. Therefore, it has been classified as a Variant of Uncertain Significance.

NM_001365536.1(SCN9A):c.5560G>A (p.Gly1854Arg)

Genes: SCN9A (sodium voltage-gated channel alpha subunit 9; minus strand), SCN1A-AS1 (SCN1A and SCN9A antisense RNA 1; plus strand). Cytogenetic location: 2q24.3.
Variant type: single nucleotide variant.
Coding change: c.5560G>A on transcript NM_001365536.1 (MANE Select); coding-DNA position 5560, G replaced by A.
Protein change: p.Gly1854Arg; replaces glycine 1854 with arginine.
Molecular consequence: missense variant.
Genome position (GRCh38, 1-based): chr2:166,199,079, C>T on the plus strand (G>A on the coding strand, the complement: SCN9A is on the minus strand). VCF-style: chr2-166199079-C-T. GRCh37 (hg19) VCF-style: chr2-167055589-C-T.
Other names: c.5527G>A, p.Gly1843Arg (NM_002977.4); short protein forms G1843R, G1854R.
Identifiers: ClinVar variation 1052194 (VCV001052194.9), dbSNP rs2106336523, ClinGen allele CA349052332.